The following is an entry in ClinVar:

NM_006785.4(MALT1):c.511A>T (p.Asn171Tyr)

Gene: MALT1 (MALT1 paracaspase; plus strand). Cytogenetic location: 18q21.32.
Variant type: single nucleotide variant.
Coding change: c.511A>T on transcript NM_006785.4 (MANE Select); coding-DNA position 511, A replaced by T.
Protein change: p.Asn171Tyr; replaces asparagine 171 with tyrosine.
Molecular consequence: missense variant.
Genome position (GRCh38, 1-based): chr18:58,700,453, A>T. VCF-style: chr18-58700453-A-T. GRCh37 (hg19) VCF-style: chr18-56367685-A-T.
Other names: c.511A>T, p.Asn171Tyr (NM_173844.3); short protein forms N171Y.
Identifiers: ClinVar variation 1444055 (VCV001444055.8), dbSNP rs984718629, ClinGen allele CA300943494.

ClinVar aggregate classification (germline): Uncertain significance (1 of 4 stars; one submission).

Conditions:
Combined immunodeficiency due to MALT1 deficiency. Also called: Immunodeficiency 12. Identifiers: Orphanet 397964, MedGen C3809583, MONDO:0014197, OMIM 615468.

Allele frequency attached by ClinVar (database versions not stated): TOPMed below 0.00001; gnomAD exomes 0.00001.
gnomAD v4.1: 5 of 1,596,398 alleles (0.00031%); highest among the groups gnomAD compares: Middle Eastern, 0.017%; no homozygotes.

Submission:

Labcorp Genetics (formerly Invitae), Labcorp
Classification: Uncertain significance for Combined immunodeficiency due to MALT1 deficiency. Last evaluated: 2023-08-11. Review status: criteria provided, single submitter. Criteria: Invitae Variant Classification Sherloc (09022015). Collection method: clinical testing. Allele origin: germline.
Comment: ClinVar contains an entry for this variant (Variation ID: 1444055). In summary, the available evidence is currently insufficient to determine the role of this variant in disease. Therefore, it has been classified as a Variant of Uncertain Significance. Advanced modeling of protein sequence and biophysical properties (such as structural, functional, and spatial information, amino acid conservation, physicochemical variation, residue mobility, and thermodynamic stability) has been performed at Invitae for this missense variant, however the output from this modeling did not meet the statistical confidence thresholds required to predict the impact of this variant on MALT1 protein function. This variant has not been reported in the literature in individuals affected with MALT1-related conditions. This variant is not present in population databases (gnomAD no frequency). This sequence change replaces asparagine, which is neutral and polar, with tyrosine, which is neutral and polar, at codon 171 of the MALT1 protein (p.Asn171Tyr).